The following is an entry in ClinVar:

ClinVar aggregate classification (germline): Benign (0 of 4 stars; one submission).

Conditions:
DCHS2-related disorder. Also called: DCHS2-related condition.

Allele frequency attached by ClinVar (database versions not stated): ESP Exome Variant Server 0.98216; TOPMed 0.98365; 1000 Genomes Project 30x 0.98485; gnomAD 0.98588; 1000 Genomes Project 0.98602; ExAC 0.99536; gnomAD exomes 0.99873.
gnomAD v4.1: 1,609,875 of 1,613,952 alleles (100%); highest among the groups gnomAD compares: East Asian, 100%; 802,972 homozygotes.

Submission:

PreventionGenetics, part of Exact Sciences
Classification: Benign for DCHS2-related condition. Last evaluated: 2019-11-13. Review status: no assertion criteria provided. Collection method: clinical testing. Allele origin: germline.
Comment: This variant is classified as benign based on ACMG/AMP sequence variant interpretation guidelines (Richards et al. 2015 PMID: 25741868, with internal and published modifications).

NM_001358235.2(DCHS2):c.2528C>T (p.Ser843Leu)

Gene: DCHS2 (dachsous cadherin-related 2; minus strand). Cytogenetic location: 4q31.3.
Variant type: single nucleotide variant.
Coding change: c.2528C>T on transcript NM_001358235.2 (MANE Select); coding-DNA position 2528, C replaced by T.
Protein change: p.Ser843Leu; replaces serine 843 with leucine.
Molecular consequence: missense variant. On other transcripts: synonymous variant (1).
Genome position (GRCh38, 1-based): chr4:154,335,053, G>A on the plus strand (C>T on the coding strand, the complement: DCHS2 is on the minus strand). VCF-style: chr4-154335053-G-A. GRCh37 (hg19) VCF-style: chr4-155256205-G-A.
Other names: c.2528C>T, p.Ser843Leu (NM_001142552.2); c.2528T=, p.Leu843= (NM_001412223.1); short protein forms S843L.
Identifiers: ClinVar variation 3059772 (VCV003059772.2), dbSNP rs6858712, ClinGen allele CA3113424.